The following is an entry in ClinVar:

ClinVar aggregate classification (germline): Uncertain significance (1 of 4 stars; one submission).

Conditions:
Cardiovascular phenotype. Identifiers: MedGen CN230736.

Allele frequency attached by ClinVar (database versions not stated): gnomAD exomes below 0.00001; ExAC 0.00001.
gnomAD v4.1: 6 of 1,600,622 alleles (0.00037%); highest among the groups gnomAD compares: Non-Finnish European, 0.00043%; no homozygotes.

Submission:

Ambry Genetics
Classification: Uncertain significance for Cardiovascular phenotype. Last evaluated: 2022-02-14. Review status: criteria provided, single submitter. Criteria: Ambry Variant Classification Scheme 2023. Collection method: clinical testing. Allele origin: germline.
Comment: The p.E348D variant (also known as c.1044A>T), located in coding exon 8 of the LAMA4 gene, results from an A to T substitution at nucleotide position 1044. The glutamic acid at codon 348 is replaced by aspartic acid, an amino acid with highly similar properties. This amino acid position is conserved. In addition, this alteration is predicted to be tolerated by in silico analysis. Since supporting evidence is limited at this time, the clinical significance of this alteration remains unclear.

NM_001105206.3(LAMA4):c.1065A>T (p.Glu355Asp)

Gene: LAMA4 (laminin subunit alpha 4; minus strand). Cytogenetic location: 6q21.
Variant type: single nucleotide variant.
Coding change: c.1065A>T on transcript NM_001105206.3 (MANE Select); coding-DNA position 1065, A replaced by T.
Protein change: p.Glu355Asp; replaces glutamic acid 355 with aspartic acid.
Molecular consequence: missense variant.
Genome position (GRCh38, 1-based): chr6:112,185,249, T>A on the plus strand (A>T on the coding strand, the complement: LAMA4 is on the minus strand). VCF-style: chr6-112185249-T-A. GRCh37 (hg19) VCF-style: chr6-112506451-T-A.
Other names: c.1044A>T, p.Glu348Asp (NM_001105207.3, NM_002290.5); short protein forms E348D, E355D.
Identifiers: ClinVar variation 1774901 (VCV001774901.2), dbSNP rs782001933, ClinGen allele CA3965912.